The following is an entry in ClinVar:

NC_000017.10:g.(?_29541567)_(29580544_?)del

Gene: NF1 (neurofibromin 1; plus strand). Cytogenetic location: 17q11.2.
Variant type: Deletion.
Identifiers: ClinVar variation 3242903 (VCV003242903.1).

ClinVar aggregate classification (germline): Pathogenic (1 of 4 stars; one submission).

Conditions:
Neurofibromatosis, type 1 (NF1). Also called: VON RECKLINGHAUSEN DISEASE; Neurofibromatosis, type I; Peripheral type neurofibromatosis; NEUROFIBROMATOSIS, TYPE I, SOMATIC. Identifiers: Orphanet 636, MedGen C0027831, MONDO:0018975, OMIM 162200. Disease mechanism: loss of function.

Submission:

Labcorp Genetics (formerly Invitae), Labcorp
Classification: Pathogenic for Neurofibromatosis, type 1. Last evaluated: 2019-12-23. Review status: criteria provided, single submitter. Criteria: Invitae Variant Classification Sherloc (09022015). Collection method: clinical testing. Allele origin: unknown.
Comment: For these reasons, this variant has been classified as Pathogenic. Loss-of-function variants in NF1 are known to be pathogenic (PMID: 10712197, 23913538). This variant disrupts the p.Leu695 amino acid residue in NF1. Other variant(s) that disrupt this residue have been determined to be pathogenic (PMID: 10712197, 23404336, 26331193, 23758643). This suggests that this residue is clinically significant, and that variants that disrupt this residue are likely to be disease-causing. This variant has not been reported in the literature in individuals with NF1-related conditions. This variant results in the deletion of part of exon 13 and exon(s) 14-30 of the NF1 gene. It is expected to disrupt RNA splicing and likely results in an absent or disrupted protein product.

Literature cited by the submitters: PubMed 10712197; PubMed 23913538; PubMed 23404336; PubMed 26331193; PubMed 23758643.